The following is an entry in ClinVar:

ClinVar aggregate classification (germline): Uncertain significance. Review status: criteria provided, multiple submitters, no conflicts (2 of 4 stars). 3 submissions from 3 submitters: Uncertain significance (2). 1 of the submissions does not count toward it. Last evaluated 2024-07-04.

Conditions:
Retinal dystrophy. Also called: Inherited retinal dystrophy. Identifiers: Orphanet 71862, MedGen C0854723, MeSH D058499, MONDO:0019118, HP:0000556.

Allele frequency attached by ClinVar (database versions not stated): ESP Exome Variant Server 0.00008; TOPMed below 0.00001; gnomAD exomes 0.00001 and 0.00002.
gnomAD v4.1: 11 of 1,549,026 alleles (0.00071%); highest among the groups gnomAD compares: Non-Finnish European, 0.00096%; no homozygotes.

Submissions (3):

Labcorp Genetics (formerly Invitae), Labcorp
Classification: Uncertain significance. Last evaluated: 2024-07-04. Review status: criteria provided, single submitter. Criteria: Invitae Variant Classification Sherloc (09022015). Collection method: clinical testing. Allele origin: germline.
Comment: This sequence change replaces tyrosine, which is neutral and polar, with cysteine, which is neutral and slightly polar, at codon 97 of the BEST1 protein (p.Tyr97Cys). This variant is present in population databases (rs369484820, gnomAD 0.002%). This variant has not been reported in the literature in individuals affected with BEST1-related conditions. ClinVar contains an entry for this variant (Variation ID: 835780). Advanced modeling of protein sequence and biophysical properties (such as structural, functional, and spatial information, amino acid conservation, physicochemical variation, residue mobility, and thermodynamic stability) performed at Invitae indicates that this missense variant is expected to disrupt BEST1 protein function with a positive predictive value of 95%. In summary, the available evidence is currently insufficient to determine the role of this variant in disease. Therefore, it has been classified as a Variant of Uncertain Significance.

Blueprint Genetics
Classification: Uncertain significance. Last evaluated: 2024-01-09. Review status: criteria provided, single submitter. Criteria: ACMG Guidelines, 2015. Collection method: clinical testing. Allele origin: germline.

Institute of Human Genetics, Univ. Regensburg, Univ. Regensburg
Classification: Uncertain significance for Retinal dystrophy. Last evaluated: 2011-01-01. Review status: no assertion criteria provided. Criteria: ACMG Guidelines, 2015. Collection method: clinical testing. Allele origin: germline. Affected: yes. Not counted in ClinVar's aggregate classification.

NM_004183.4(BEST1):c.290A>G (p.Tyr97Cys)

Gene: BEST1 (bestrophin 1; plus strand). Cytogenetic location: 11q12.3.
Variant type: single nucleotide variant.
Coding change: c.290A>G on transcript NM_004183.4 (MANE Select); coding-DNA position 290, A replaced by G.
Protein change: p.Tyr97Cys; replaces tyrosine 97 with cysteine.
Molecular consequence: missense variant. On other transcripts: non-coding transcript variant (1).
Genome position (GRCh38, 1-based): chr11:61,955,760, A>G. VCF-style: chr11-61955760-A-G. GRCh37 (hg19) VCF-style: chr11-61723232-A-G.
Other names: c.110A>G, p.Tyr37Cys (NM_001139443.3, NM_001300786.2, NM_001300787.2); c.-29A>G (NM_001363591.3); c.290A>G, p.Tyr97Cys (NM_001363592.2); c.-886A>G (NM_001363593.3); short protein forms Y97C, Y37C.
Identifiers: ClinVar variation 835780 (VCV000835780.11), dbSNP rs369484820, ClinGen allele CA222936252.